The following is an entry in ClinVar:

NM_001909.5(CTSD):c.446G>T (p.Gly149Val)

Gene: CTSD (cathepsin D; minus strand). Cytogenetic location: 11p15.5.
Variant type: single nucleotide variant.
Coding change: c.446G>T on transcript NM_001909.5 (MANE Select); coding-DNA position 446, G replaced by T.
Protein change: p.Gly149Val; replaces glycine 149 with valine.
Molecular consequence: missense variant.
Genome position (GRCh38, 1-based): chr11:1,758,994, C>A on the plus strand (G>T on the coding strand, the complement: CTSD is on the minus strand). VCF-style: chr11-1758994-C-A. GRCh37 (hg19) VCF-style: chr11-1780224-C-A.
Other names: c.446G>T (NM_001909.4); short protein forms G149V.
Identifiers: ClinVar variation 208848 (VCV000208848.3), dbSNP rs797045137, ClinGen allele CA276036.

ClinVar aggregate classification (germline): Likely pathogenic. Review status: criteria provided, single submitter (1 of 4 stars). 2 submissions from 2 submitters: Likely pathogenic (1). 1 of the submissions does not count toward it. Last evaluated 2023-06-22.

Conditions:
Neuronal ceroid lipofuscinosis 10 (CLN10). Also called: NEURONAL CEROID LIPOFUSCINOSIS DUE TO CATHEPSIN D DEFICIENCY; CTSD-Related Neuronal Ceroid-Lipofuscinosis. Identifiers: Orphanet 228337, MedGen C1864669, MONDO:0012414, OMIM 610127.

Submissions (2):

GeneDx
Classification: Likely pathogenic. Last evaluated: 2023-06-22. Review status: criteria provided, single submitter. Criteria: GeneDx Variant Classification Process June 2021. Collection method: clinical testing. Allele origin: germline. Affected: yes.
Comment: Published functional studies demonstrate a damaging effect on enzyme activity (Bunk et al., 2021); Not observed at significant frequency in large population cohorts (gnomAD); In silico analysis supports that this missense variant has a deleterious effect on protein structure/function; This variant is associated with the following publications: (PMID: 34198733, 27926992, 34491000, 27125852, 32326609, 27527004, 25298308, 33681191, 21990111)

OMIM
Classification: Pathogenic for CEROID LIPOFUSCINOSIS, NEURONAL, 10. Last evaluated: 2014-11-11. Review status: no assertion criteria provided. Collection method: literature only. Allele origin: germline. Not counted in ClinVar's aggregate classification.

Literature cited by the submitters: PubMed 25298308 (cited by OMIM).